The following is an entry in ClinVar:

ClinVar aggregate classification (germline): Uncertain significance. Review status: criteria provided, multiple submitters, no conflicts (2 of 4 stars). 2 submissions from 2 submitters: Uncertain significance (2). Last evaluated 2024-04-29.

Conditions:
Ataxia-telangiectasia-like disorder (ATLD). Identifiers: MedGen C1858391, MONDO:0011457.
Hereditary cancer-predisposing syndrome. Also called: Neoplastic Syndromes, Hereditary; Tumor predisposition; Hereditary Cancer Syndrome; Hereditary neoplastic syndrome. Identifiers: Orphanet 140162, MedGen C0027672, MeSH D009386, MONDO:0015356.

Submissions (2):

Labcorp Genetics (formerly Invitae), Labcorp
Classification: Uncertain significance for Ataxia-telangiectasia-like disorder. Last evaluated: 2024-04-29. Review status: criteria provided, single submitter. Criteria: Invitae Variant Classification Sherloc (09022015). Collection method: clinical testing. Allele origin: germline.
Comment: This sequence change replaces leucine, which is neutral and non-polar, with proline, which is neutral and non-polar, at codon 545 of the MRE11A protein (p.Leu545Pro). This variant is not present in population databases (gnomAD no frequency). This variant has not been reported in the literature in individuals affected with MRE11A-related conditions. ClinVar contains an entry for this variant (Variation ID: 483629). An algorithm developed to predict the effect of missense changes on protein structure and function (PolyPhen-2) suggests that this variant is likely to be tolerated. In summary, the available evidence is currently insufficient to determine the role of this variant in disease. Therefore, it has been classified as a Variant of Uncertain Significance.

Ambry Genetics
Classification: Uncertain significance for Hereditary cancer-predisposing syndrome. Last evaluated: 2023-04-13. Review status: criteria provided, single submitter. Criteria: Ambry Variant Classification Scheme 2023. Collection method: clinical testing. Allele origin: germline.
Comment: The p.L545P variant (also known as c.1634T>C), located in coding exon 14 of the MRE11A gene, results from a T to C substitution at nucleotide position 1634. The leucine at codon 545 is replaced by proline, an amino acid with similar properties. This amino acid position is not well conserved in available vertebrate species. In addition, this alteration is predicted to be tolerated by in silico analysis. Since supporting evidence is limited at this time, the clinical significance of this alteration remains unclear.

NM_005591.4(MRE11):c.1634T>C (p.Leu545Pro)

Gene: MRE11 (MRE11 double strand break repair nuclease; minus strand). Cytogenetic location: 11q21.
Variant type: single nucleotide variant.
Coding change: c.1634T>C on transcript NM_005591.4 (MANE Select); coding-DNA position 1634, T replaced by C.
Protein change: p.Leu545Pro; replaces leucine 545 with proline.
Molecular consequence: missense variant.
Genome position (GRCh38, 1-based): chr11:94,447,368, A>G on the plus strand (T>C on the coding strand, the complement: MRE11 is on the minus strand). VCF-style: chr11-94447368-A-G. GRCh37 (hg19) VCF-style: chr11-94180534-A-G.
Other names: c.1634T>C, p.Leu545Pro (NM_001330347.2, NM_005590.4); short protein forms L545P.
Identifiers: ClinVar variation 483629 (VCV000483629.9), dbSNP rs887415959, ClinGen allele CA382368555.
Genomic context (GRCh38, chr11:94,447,368, plus strand): 5'-GCTGCTGAGATGCTATCATCAGAGTCATTAGCCATCTGTTCTGCTAAATCTATACTCATA[A>G]GGTCATCAGCACTAAAGGCAGAAGCAGACTCCTCTGACTGAGATCTGAGTGCTCTGGCCC-3'
Protein context (NP_005582.1, residues 535-555): ESASAFSADD[Leu545Pro]MSIDLAEQMA